The following is an entry in ClinVar:

ClinVar aggregate classification (germline): Uncertain significance. Review status: criteria provided, multiple submitters, no conflicts (2 of 4 stars). 2 submissions from 2 submitters: Uncertain significance (2). Last evaluated 2024-09-10.

Allele frequency attached by ClinVar (database versions not stated): gnomAD 0.00004; TOPMed 0.00005; ExAC 0.00011.
gnomAD v4.1: 65 of 1,595,168 alleles (0.0041%); highest among the groups gnomAD compares: Non-Finnish European, 0.0006%; no homozygotes.

Submissions (2):

GeneDx
Classification: Uncertain significance. Last evaluated: 2024-09-10. Review status: criteria provided, single submitter. Criteria: GeneDx Variant Classification Process June 2021. Collection method: clinical testing. Allele origin: germline. Affected: yes.
Comment: Identified in patients with dyslipidemia in published literature (PMID: 36325899, 32041611); In silico analysis supports that this missense variant has a deleterious effect on protein structure/function; This variant is associated with the following publications: (PMID: 36325899, 32041611)

Labcorp Genetics (formerly Invitae), Labcorp
Classification: Uncertain significance. Last evaluated: 2022-02-20. Review status: criteria provided, single submitter. Criteria: Invitae Variant Classification Sherloc (09022015). Collection method: clinical testing. Allele origin: germline.
Comment: This sequence change replaces proline, which is neutral and non-polar, with arginine, which is basic and polar, at codon 250 of the LMF1 protein (p.Pro250Arg). This variant is present in population databases (rs760453350, gnomAD 0.2%). This missense change has been observed in individual(s) with clinical features of dyslipidemia (PMID: 32041611). ClinVar contains an entry for this variant (Variation ID: 1204510). Algorithms developed to predict the effect of missense changes on protein structure and function are either unavailable or do not agree on the potential impact of this missense change (SIFT: "Deleterious"; PolyPhen-2: "Probably Damaging"; Align-GVGD: "Class C0"). In summary, the available evidence is currently insufficient to determine the role of this variant in disease. Therefore, it has been classified as a Variant of Uncertain Significance.

Literature cited by the submitters: PubMed 32041611 (cited by Labcorp Genetics (formerly Invitae), Labcorp).

NM_022773.4(LMF1):c.749C>G (p.Pro250Arg)

Gene: LMF1 (lipase maturation factor 1; minus strand). Cytogenetic location: 16p13.3.
Variant type: single nucleotide variant.
Coding change: c.749C>G on transcript NM_022773.4 (MANE Select); coding-DNA position 749, C replaced by G.
Protein change: p.Pro250Arg; replaces proline 250 with arginine.
Molecular consequence: missense variant. On other transcripts: non-coding transcript variant (1).
Genome position (GRCh38, 1-based): chr16:879,718, G>C on the plus strand (C>G on the coding strand, the complement: LMF1 is on the minus strand). VCF-style: chr16-879718-G-C. GRCh37 (hg19) VCF-style: chr16-929718-G-C.
Other names: c.98C>G, p.Pro33Arg (NM_001352017.2, NM_001352021.2); c.350C>G, p.Pro117Arg (NM_001352018.2); c.422C>G, p.Pro141Arg (NM_001352019.2); c.749C>G, p.Pro250Arg (NM_001352020.1); short protein forms P117R, P141R, P250R, P33R.
Identifiers: ClinVar variation 1204510 (VCV001204510.6), dbSNP rs760453350, ClinGen allele CA7797375.